The following is an entry in ClinVar:

ClinVar aggregate classification (germline): Uncertain significance. Review status: criteria provided, multiple submitters, no conflicts (2 of 4 stars). 2 submissions from 2 submitters: Uncertain significance (2). Last evaluated 2025-12-30.

Conditions:
DYRK1B-related disorder. Also called: DYRK1B-related condition.
Inborn genetic diseases. Identifiers: MedGen C0950123, MeSH D030342.

gnomAD v4.1: 21 of 1,484,864 alleles (0.0014%); highest among the groups gnomAD compares: African/African-American, 0.0028%; 1 homozygote.

Submissions (2):

Ambry Genetics
Classification: Uncertain significance for Inborn genetic diseases. Last evaluated: 2025-12-30. Review status: criteria provided, single submitter. Criteria: Ambry Variant Classification Scheme 2023. Collection method: clinical testing. Allele origin: germline.
Comment: The c.1249G>A (p.A417T) alteration is located in exon 9 (coding exon 8) of the DYRK1B gene. This alteration results from a G to A substitution at nucleotide position 1249, causing the alanine (A) at amino acid position 417 to be replaced by a threonine (T). Based on data from gnomAD, the A allele has an overall frequency of 0.001% (1/88372) total alleles studied. The highest observed frequency was 0.007% (1/14294) of South Asian alleles. Based on insufficient or conflicting evidence, the clinical significance of this alteration remains unclear.

PreventionGenetics, part of Exact Sciences
Classification: Uncertain significance for DYRK1B-related condition. Last evaluated: 2024-12-06. Review status: criteria provided, single submitter. Criteria: ACMG Guidelines, 2015. Collection method: clinical testing. Allele origin: germline.
Comment: The DYRK1B c.1249G>A variant is predicted to result in the amino acid substitution p.Ala417Thr. To our knowledge, this variant has not been reported in the literature. This variant is reported in 0.0070% of alleles in individuals of South Asian descent in gnomAD. At this time, the clinical significance of this variant is uncertain due to the absence of conclusive functional and genetic evidence.

NM_004714.3(DYRK1B):c.1249G>A (p.Ala417Thr)

Gene: DYRK1B (dual specificity tyrosine phosphorylation regulated kinase 1B; minus strand). Cytogenetic location: 19q13.2.
Variant type: single nucleotide variant.
Coding change: c.1249G>A on transcript NM_004714.3 (MANE Select); coding-DNA position 1249, G replaced by A.
Protein change: p.Ala417Thr; replaces alanine 417 with threonine.
Molecular consequence: missense variant.
Genome position (GRCh38, 1-based): chr19:39,826,834, C>T on the plus strand (G>A on the coding strand, the complement: DYRK1B is on the minus strand). VCF-style: chr19-39826834-C-T. GRCh37 (hg19) VCF-style: chr19-40317474-C-T.
Other names: c.1249G>A (NM_004714.2); c.1129G>A, p.Ala377Thr (NM_006483.3); c.1165G>A, p.Ala389Thr (NM_006484.3); short protein forms A377T, A389T, A417T.
Identifiers: ClinVar variation 4828181 (VCV004828181.2).